The following is an entry in ClinVar:

NM_000393.5(COL5A2):c.3098C>T (p.Pro1033Leu)

Gene: COL5A2 (collagen type V alpha 2 chain; minus strand). Cytogenetic location: 2q32.2.
Variant type: single nucleotide variant.
Coding change: c.3098C>T on transcript NM_000393.5 (MANE Select); coding-DNA position 3098, C replaced by T.
Protein change: p.Pro1033Leu; replaces proline 1033 with leucine.
Molecular consequence: missense variant.
Genome position (GRCh38, 1-based): chr2:189,049,396, G>A on the plus strand (C>T on the coding strand, the complement: COL5A2 is on the minus strand). VCF-style: chr2-189049396-G-A. GRCh37 (hg19) VCF-style: chr2-189914122-G-A.
Other names: p.P1033L:CCT>CTT; c.3098C>T (NM_000393.4); short protein forms P1033L.
Identifiers: ClinVar variation 136949 (VCV000136949.28), dbSNP rs75542756, ClinGen allele CA290386.
Genomic context (GRCh38, chr2:189,049,396, plus strand): 5'-GTAGTACTCACTTCTGGTCCAGGTTCCCCTACAGGACCATTGGAGCCTGGGGGCCCCACA[G>A]GTCCAGGTGGACCTTTATCTCCTGTTGCACCAGTTGGTCCTACTTTTCCTGGTGTTCCCT-3'
Protein context (NP_000384.2, residues 1023-1043): GATGDKGPPG[Pro1033Leu]VGPPGSNGPV

ClinVar aggregate classification (germline): Benign/Likely benign. Review status: criteria provided, multiple submitters, no conflicts (2 of 4 stars). 9 submissions from 9 submitters: Benign (6); Likely benign (3). Last evaluated 2026-02-02.

Conditions:
Ehlers-Danlos syndrome, classic type, 1 (EDSCL1). Also called: Ehlers-Danlos syndrome, type 1; EHLERS-DANLOS SYNDROME, GRAVIS TYPE; EHLERS-DANLOS SYNDROME, SEVERE CLASSIC TYPE; Ehlers-Danlos Syndrome, Classic Type, COL5A1-Related; EDS I. Identifiers: MedGen C0268335, MONDO:0019567, OMIM 130000.
Ehlers-Danlos syndrome, classic type, 2 (EDSCL2). Also called: Ehlers-Danlos syndrome, type 2; Ehlers-Danlos syndrome type 2 (formerly); Ehlers-Danlos Syndrome, Classic Type, COL5A2-Related. Identifiers: Orphanet 287, Orphanet 90318, MedGen C0268336, MONDO:0019568, OMIM 130010.
Ehlers-Danlos syndrome (EDS). Identifiers: Orphanet 98249, MedGen C0013720, MONDO:0020066.
Familial thoracic aortic aneurysm and aortic dissection (TAAD). Also called: Thoracic aortic aneurysms and dissections. Identifiers: Orphanet 91387, MedGen C4707243, MONDO:0019625.

Allele frequency attached by ClinVar (database versions not stated): gnomAD 0.00076 and 0.00132; TOPMed 0.00123; gnomAD exomes 0.00144 and 0.00251; ExAC 0.00261; 1000 Genomes Project 30x 0.00656; 1000 Genomes Project 0.00779.
gnomAD v4.1: 2,353 of 1,613,676 alleles (0.15%); highest among the groups gnomAD compares: East Asian, 4.7%; 49 homozygotes.

Submissions (9):

Labcorp Genetics (formerly Invitae), Labcorp
Classification: Benign for Ehlers-Danlos syndrome, classic type, 1. Last evaluated: 2026-02-02. Review status: criteria provided, single submitter. Criteria: Invitae Variant Classification Sherloc (09022015). Collection method: clinical testing. Allele origin: germline.

Blueprint Genetics
Classification: Likely benign. Last evaluated: 2024-11-08. Review status: criteria provided, single submitter. Criteria: ACMG Guidelines, 2015. Collection method: clinical testing. Allele origin: germline.

ARUP Laboratories, Molecular Genetics and Genomics, ARUP Laboratories
Classification: Benign for Ehlers-Danlos syndrome, classic type, 2. Last evaluated: 2024-04-25. Review status: criteria provided, single submitter. Criteria: ARUP Molecular Germline Variant Investigation Process 2024. Collection method: clinical testing. Allele origin: germline.

Women's Health and Genetics/Laboratory Corporation of America, LabCorp
Classification: Likely benign. Last evaluated: 2023-07-21. Review status: criteria provided, single submitter. Criteria: LabCorp Variant Classification Summary - May 2015. Collection method: clinical testing. Allele origin: germline.

Genome Diagnostics Laboratory, The Hospital for Sick Children
Classification: Likely benign for Ehlers-Danlos syndrome. Last evaluated: 2019-12-01. Review status: criteria provided, single submitter. Criteria: ACMG Guidelines, 2015. Collection method: clinical testing. Allele origin: germline.

Illumina Laboratory Services, Illumina
Classification: Benign for Ehlers-Danlos syndrome, classic type, 2. Last evaluated: 2018-01-12. Review status: criteria provided, single submitter. Criteria: ICSL Variant Classification Criteria 13 December 2019. Collection method: clinical testing. Allele origin: germline.
Comment: This variant was observed in the ICSL laboratory as part of a predisposition screen in an ostensibly healthy population. It had not been previously curated by ICSL or reported in the Human Gene Mutation Database (HGMD: prior to June 1st, 2018), and was therefore a candidate for classification through an automated scoring system. Utilizing variant allele frequency, disease prevalence and penetrance estimates, and inheritance mode, an automated score was calculated to assess if this variant is too frequent to cause the disease. Based on the score and internal cut-off values, a variant classified as benign is not then subjected to further curation. The score for this variant resulted in a classification of benign for this disease.

Ambry Genetics
Classification: Benign for Familial thoracic aortic aneurysm and aortic dissection. Last evaluated: 2015-09-24. Review status: criteria provided, single submitter. Criteria: Ambry Variant Classification Scheme 2023. Collection method: clinical testing. Allele origin: germline.

GeneDx
Classification: Benign. Last evaluated: 2013-07-02. Review status: criteria provided, single submitter. Criteria: GeneDx Variant Classification (06012015). Collection method: clinical testing. Allele origin: germline. Affected: yes.
Comment: This variant is considered likely benign or benign based on one or more of the following criteria: it is a conservative change, it occurs at a poorly conserved position in the protein, it is predicted to be benign by multiple in silico algorithms, and/or has population frequency not consistent with disease.

PreventionGenetics, part of Exact Sciences
Classification: Benign. Review status: criteria provided, single submitter. Criteria: ACMG Guidelines, 2015. Collection method: clinical testing. Allele origin: germline.